The following is an entry in ClinVar:

NM_003000.3(SDHB):c.530G>A (p.Arg177His)

Gene: SDHB (succinate dehydrogenase complex iron sulfur subunit B; minus strand). Cytogenetic location: 1p36.13.
Variant type: single nucleotide variant.
Coding change: c.530G>A on transcript NM_003000.3 (MANE Select); coding-DNA position 530, G replaced by A.
Protein change: p.Arg177His; replaces arginine 177 with histidine.
Molecular consequence: missense variant.
Genome position (GRCh38, 1-based): chr1:17,027,759, C>T on the plus strand (G>A on the coding strand, the complement: SDHB is on the minus strand). VCF-style: chr1-17027759-C-T. GRCh37 (hg19) VCF-style: chr1-17354254-C-T.
Other names: short protein forms R177H.
Identifiers: ClinVar variation 239433 (VCV000239433.38), dbSNP rs150437793, ClinGen allele CA089641.
Genomic context (GRCh38, chr1:17,027,759, plus strand): 5'-ATCTTTGCAATAAATTCTTCAGATTGAAACAATAAATAGGGACTAATGACCAGTTTCTCA[C>T]GCTCTTCTATGGACTGCAGATACTGCTGCTTGCCTTCCTGAGATTCATCCTTCTTCTTCA-3'
Protein context (NP_002991.2, residues 167-187): KQQYLQSIEE[Arg177His]EKLDGLYECI

ClinVar aggregate classification (germline): Uncertain significance. Review status: criteria provided, multiple submitters, no conflicts (2 of 4 stars). 11 submissions from 11 submitters: Uncertain significance (11). Last evaluated 2026-04-13.

Conditions:
Pheochromocytoma/paraganglioma syndrome 4. Also called: SDHB-Related Hereditary Paraganglioma-Pheochromocytoma Syndrome; CAROTID BODY TUMORS AND MULTIPLE EXTRAADRENAL PHEOCHROMOCYTOMAS; PARAGANGLIOMA, FAMILIAL MALIGNANT; PARAGANGLIOMAS, HEREDITARY EXTRAADRENAL; PHEOCHROMOCYTOMA, FAMILIAL EXTRAADRENAL; SDHB-Related Hereditary Paraganglioma-Pheochromocytoma Syndrome (Paragangliomas 4). Identifiers: Orphanet 29072, MedGen C1861848, MONDO:0007273, OMIM 115310.
Pheochromocytoma. Also called: MAX-Related Hereditary Paraganglioma-Pheochromocytoma Syndrome. Identifiers: Orphanet 29072, MedGen C0031511, MONDO:0008233, OMIM 171300, HP:0002666.
Gastrointestinal stromal tumor. Also called: Gastrointestinal stromal tumor, somatic; Gastrointestinal stroma tumor. Identifiers: Orphanet 44890, MedGen C0238198, MeSH D046152, MONDO:0011719, OMIM 606764, HP:0100723.
SDHB-related disorder. Also called: SDHB-related condition; SDHB-related disorders. Identifiers: MedGen CN239418.
Hereditary cancer-predisposing syndrome. Also called: Neoplastic Syndromes, Hereditary; Hereditary neoplastic syndrome; Hereditary Cancer Syndrome; Tumor predisposition. Identifiers: Orphanet 140162, MedGen C0027672, MeSH D009386, MONDO:0015356.
Hereditary pheochromocytoma and paraganglioma. Also called: Hereditary Paraganglioma-Pheochromocytoma Syndromes; Hereditary pheochromocytoma-paraganglioma; Hereditary paragangliomas and pheochromocytomas. Identifiers: Orphanet 29072, MedGen C4274332, MONDO:0017366.

Allele frequency attached by ClinVar (database versions not stated): gnomAD exomes 0.00001 and 0.00003; ExAC 0.00002; gnomAD 0.00004; ESP Exome Variant Server 0.00008; TOPMed 0.00009; 1000 Genomes Project 30x 0.00016; 1000 Genomes Project 0.00020.
gnomAD v4.1: 28 of 1,584,548 alleles (0.0018%); highest among the groups gnomAD compares: Admixed American, 0.013%; no homozygotes.

Submissions 1 to 6 of 11:

PreventionGenetics, part of Exact Sciences
Classification: Uncertain significance for SDHB-related condition. Last evaluated: 2026-04-13. Review status: criteria provided, single submitter. Criteria: ACMG Guidelines, 2015. Collection method: clinical testing. Allele origin: germline.
Comment: The SDHB c.530G>A variant is predicted to result in the amino acid substitution p.Arg177His. This variant was reported in several individuals with head and neck paragangliomas (Table 2, Richter et al. 2022. PubMed ID: 35171114; Table 1, Michałowska et al. 2016. PubMed ID: 27867439). This variant was also reported in a family with a history of head and neck paragangliomas and pheochromocytomas; and one family member with thyroid paraganglioma (von Dobschuetz et al. 2015. PubMed ID: 25595276). Functional studies of this variant in yeast indicated that this variant reduced SDH enzyme activity to 50% residual activity, however did not show increased sensitivity to oxidative stress or mtDNA mutability (Panizza et al. 2013. PubMed ID: 23175444). This variant is reported in 0.0062% of alleles in individuals of African descent in gnomAD and is classified as a variant of uncertain significance in ClinVar (Variation ID: 239433). At this time, the clinical significance of this variant is uncertain due to the absence of conclusive functional and genetic evidence.

St. Jude Molecular Pathology, St. Jude Children's Research Hospital
Classification: Uncertain significance for Pheochromocytoma/paraganglioma syndrome 4. Last evaluated: 2026-02-11. Review status: criteria provided, single submitter. Criteria: St. Jude Assertion Criteria 2020. Collection method: clinical testing. Allele origin: germline.
Comment: The SDHB c.530G>A (p.Arg177His) missense change has a maximum frequency of 0.006% in gnomAD v2.1.1. The in silico tool REVEL predicts a deleterious effect on protein function, and a functional study in yeast demonstrated a mild impact on succinate dehydrogenase function (PMID: 23175444). This variant has been reported in individuals with paragangliomas and pheochromocytomas and was found to segregate in one family (PMID: 25595276, 25791839, 27867439, 35171114). In summary, the evidence currently available is insufficient to determine the clinical significance of this variant. It has therefore been classified as of uncertain significance.

Labcorp Genetics (formerly Invitae), Labcorp
Classification: Uncertain significance for Gastrointestinal stromal tumor; Pheochromocytoma/paraganglioma syndrome 4; Pheochromocytoma. Last evaluated: 2026-01-21. Review status: criteria provided, single submitter. Criteria: Invitae Variant Classification Sherloc (09022015). Collection method: clinical testing. Allele origin: germline.
Comment: This sequence change replaces arginine, which is basic and polar, with histidine, which is basic and polar, at codon 177 of the SDHB protein (p.Arg177His). This variant is present in population databases (rs150437793, gnomAD 0.006%). This missense change has been observed in individual(s) with paraganglioma-pheochromocytoma (PGL-PCC) syndrome as well as in unaffected individuals (PMID: 25595276, 27867439, 31492822, 35171114; internal data). It has also been observed to segregate with disease in related individuals. ClinVar contains an entry for this variant (Variation ID: 239433). Invitae Evidence Modeling of protein sequence and biophysical properties (such as structural, functional, and spatial information, amino acid conservation, physicochemical variation, residue mobility, and thermodynamic stability) indicates that this missense variant is expected to disrupt SDHB protein function with a positive predictive value of 80%. Experimental studies are conflicting or provide insufficient evidence to determine the effect of this variant on SDHB function (PMID: 23175444). RNA analysis performed to evaluate the impact of this missense change on mRNA splicing indicates it does not significantly alter splicing (internal data). In summary, the available evidence is currently insufficient to determine the role of this variant in disease. Therefore, it has been classified as a Variant of Uncertain Significance.

Ambry Genetics
Classification: Uncertain significance for Hereditary cancer-predisposing syndrome. Last evaluated: 2025-10-20. Review status: criteria provided, single submitter. Criteria: Ambry Variant Classification Scheme 2023. Collection method: clinical testing. Allele origin: germline.
Comment: The p.R177H variant (also known as c.530G>A), located in coding exon 5 of the SDHB gene, results from a G to A substitution at nucleotide position 530. The arginine at codon 177 is replaced by histidine, an amino acid with highly similar properties. This variant has been reported in multiple individuals diagnosed with paraganglioma or pheochromocytoma, and segregated with disease in one family (von Dobschuetz E et al. Endocr. Relat. Cancer. 2015 Apr;22:191-204; Michaowska I et al. Neuroendocrinology. 2015 Mar;101:321-30; Richter S et al. Endocr Relat Cancer, 2022 Mar;29:213-224); however, this alteration has also been observed in several apparently healthy individuals (Rana HQ et al. Cancers (Basel), 2024 Feb;16; Ambry internal data). Functional studies of this variant demonstrate only a mildly impaired phenotype using a yeast model (Panizza E et al. Hum. Mol. Genet. 2013 Feb;22:804-15). This amino acid position is highly conserved in available vertebrate species. In addition, this alteration is predicted to be deleterious by in silico analysis. Since supporting evidence is limited and conflicting at this time, the clinical significance of this alteration remains unclear.

Color Diagnostics, LLC DBA Color Health
Classification: Uncertain significance for Hereditary pheochromocytoma and paraganglioma. Last evaluated: 2025-09-18. Review status: criteria provided, single submitter. Criteria: ACMG Guidelines, 2015. Collection method: clinical testing. Allele origin: germline.
Comment: This missense variant replaces arginine with histidine at codon 177 of the SDHB protein. Computational prediction suggests that this variant may have deleterious impact on protein structure and function. An experimental functional study in a yeast model demonstrated partial impacts on succinate dehydrogenase function (PMID: 23175444). This variant has been reported in individuals affected with paragangliomas and pheochromocytomas (PMID: 25595276, 25791839, 27867439, 35171114), but also in unaffected individuals (PMID: 25595276, 27867439). The variant has been observed to segregate in one family (PMID: 25595276). This variant has been identified in 8/251384 chromosomes in the general population by the Genome Aggregation Database (gnomAD). The available evidence is insufficient to determine the role of this variant in disease conclusively. Therefore, this variant is classified as a Variant of Uncertain Significance.

All of Us Research Program, National Institutes of Health
Classification: Uncertain significance for Hereditary pheochromocytoma and paraganglioma. Last evaluated: 2024-09-27. Review status: criteria provided, single submitter. Criteria: ACMG Guidelines, 2015. Collection method: clinical testing. Allele origin: germline. Inheritance: Autosomal dominant inheritance. Observed: 10 variant alleles, 10 heterozygotes.
Comment: This missense variant replaces arginine with histidine at codon 177 of the SDHB protein. Computational prediction suggests that this variant may have deleterious impact on protein structure and function (internally defined REVEL score threshold >= 0.7, PMID: 27666373). An experimental functional study in a yeast model demonstrated partial impacts on succinate dehydrogenase function (PMID: 23175444). This variant has been reported in individuals affected with paragangliomas and pheochromocytomas (PMID: 25595276, 25791839, 27867439, 35171114), but also in unaffected individuals (PMID: 25595276, 27867439). The variant has been observed to segregate in one family (PMID: 25595276). This variant has been identified in 8/251384 chromosomes in the general population by the Genome Aggregation Database (gnomAD). The available evidence is insufficient to determine the role of this variant in disease conclusively. Therefore, this variant is classified as a Variant of Uncertain Significance.

This study involves interpretation of variants in research participants for the purpose of population health screening. Participant phenotype was not available at the time of variant classification. Additional details can be found in publication PMID: 35346344, PMCID: PMC8962531